The following is an entry in ClinVar:

NM_000018.4(ACADVL):c.1170G>C (p.Gln390His)

Gene: ACADVL (acyl-CoA dehydrogenase very long chain; plus strand). Cytogenetic location: 17p13.1.
Variant type: single nucleotide variant.
Coding change: c.1170G>C on transcript NM_000018.4 (MANE Select); coding-DNA position 1170, G replaced by C.
Protein change: p.Gln390His; replaces glutamine 390 with histidine.
Molecular consequence: missense variant.
Genome position (GRCh38, 1-based): chr17:7,223,225, G>C. VCF-style: chr17-7223225-G-C. GRCh37 (hg19) VCF-style: chr17-7126544-G-C.
Other names: c.1104G>C, p.Gln368His (NM_001033859.3); c.1239G>C, p.Gln413His (NM_001270447.2); c.942G>C, p.Gln314His (NM_001270448.2); short protein forms Q314H, Q390H, Q413H, Q368H.
Identifiers: ClinVar variation 1419286 (VCV001419286.3), dbSNP rs775196157, ClinGen allele CA8337978.

ClinVar aggregate classification (germline): Uncertain significance (1 of 4 stars; one submission).

Conditions:
Very long chain acyl-CoA dehydrogenase deficiency (ACADVLD). Also called: VLCAD Deficiency; Very Long-Chain Acyl-Coenzyme A Dehydrogenase Deficiency. Identifiers: Orphanet 26793, MedGen C3887523, MONDO:0008723, OMIM 201475.

Allele frequency attached by ClinVar (database versions not stated): gnomAD exomes below 0.00001; ExAC 0.00001.
gnomAD v4.1: 2 of 1,613,648 alleles (0.00012%); highest among the groups gnomAD compares: Non-Finnish European, 0.000085%; no homozygotes.

Submission:

Labcorp Genetics (formerly Invitae), Labcorp
Classification: Uncertain significance for Very long chain acyl-CoA dehydrogenase deficiency. Last evaluated: 2022-06-04. Review status: criteria provided, single submitter. Criteria: Invitae Variant Classification Sherloc (09022015). Collection method: clinical testing. Allele origin: germline.
Comment: This sequence change replaces glutamine, which is neutral and polar, with histidine, which is basic and polar, at codon 390 of the ACADVL protein (p.Gln390His). This variant is present in population databases (rs775196157, gnomAD 0.0009%). This variant has not been reported in the literature in individuals affected with ACADVL-related conditions. ClinVar contains an entry for this variant (Variation ID: 1419286). Advanced modeling of protein sequence and biophysical properties (such as structural, functional, and spatial information, amino acid conservation, physicochemical variation, residue mobility, and thermodynamic stability) performed at Invitae indicates that this missense variant is expected to disrupt ACADVL protein function. Algorithms developed to predict the effect of sequence changes on RNA splicing suggest that this variant may disrupt the consensus splice site. In summary, the available evidence is currently insufficient to determine the role of this variant in disease. Therefore, it has been classified as a Variant of Uncertain Significance.